The following is an entry in ClinVar:

ClinVar aggregate classification (germline): Uncertain significance (1 of 4 stars; one submission).

Conditions:
Infantile-onset X-linked spinal muscular atrophy. Also called: AMC, DISTAL, X-LINKED; ARTHROGRYPOSIS, X-LINKED, TYPE I; SPINAL MUSCULAR ATROPHY, X-LINKED LETHAL INFANTILE; Spinal Muscular Atrophy, X-Linked Infantile; Spinal muscular atrophy, X-linked 2. Identifiers: Orphanet 1145, MedGen C1844934, MONDO:0010532, OMIM 301830.

Allele frequency attached by ClinVar (database versions not stated): gnomAD exomes 0.00001; TOPMed 0.00001.
gnomAD v4.1: 8 of 1,205,025 alleles (0.00066%); highest among the groups gnomAD compares: Non-Finnish European, 0.0009%; no homozygotes.

Submission:

Labcorp Genetics (formerly Invitae), Labcorp
Classification: Uncertain significance for Infantile-onset X-linked spinal muscular atrophy. Last evaluated: 2022-07-19. Review status: criteria provided, single submitter. Criteria: Invitae Variant Classification Sherloc (09022015). Collection method: clinical testing. Allele origin: germline.
Comment: ClinVar contains an entry for this variant (Variation ID: 945215). In summary, the available evidence is currently insufficient to determine the role of this variant in disease. Therefore, it has been classified as a Variant of Uncertain Significance. Algorithms developed to predict the effect of sequence changes on RNA splicing suggest that this variant may create or strengthen a splice site. Algorithms developed to predict the effect of missense changes on protein structure and function output the following: SIFT: "Tolerated"; PolyPhen-2: "Benign"; Align-GVGD: "Class C0". The glutamine amino acid residue is found in multiple mammalian species, which suggests that this missense change does not adversely affect protein function. This variant has not been reported in the literature in individuals affected with UBA1-related conditions. This variant is not present in population databases (gnomAD no frequency). This sequence change replaces arginine, which is basic and polar, with glutamine, which is neutral and polar, at codon 544 of the UBA1 protein (p.Arg544Gln).

NM_003334.4(UBA1):c.1631G>A (p.Arg544Gln)

Gene: UBA1 (ubiquitin like modifier activating enzyme 1; plus strand). Cytogenetic location: Xp11.3.
Variant type: single nucleotide variant.
Coding change: c.1631G>A on transcript NM_003334.4 (MANE Select); coding-DNA position 1631, G replaced by A.
Protein change: p.Arg544Gln; replaces arginine 544 with glutamine.
Molecular consequence: missense variant.
Genome position (GRCh38, 1-based): chrX:47,206,003, G>A. VCF-style: chrX-47206003-G-A. GRCh37 (hg19) VCF-style: chrX-47065402-G-A.
Other names: c.1631G>A, p.Arg544Gln (NM_153280.3); short protein forms R544Q.
Identifiers: ClinVar variation 945215 (VCV000945215.9), dbSNP rs1556790802, ClinGen allele CA412801370.